The following is an entry in ClinVar:

NM_031471.6(FERMT3):c.1225G>A (p.Val409Ile)

Gene: FERMT3 (FERM domain containing kindlin 3; plus strand). Cytogenetic location: 11q13.1.
Variant type: single nucleotide variant.
Coding change: c.1225G>A on transcript NM_031471.6 (MANE Select); coding-DNA position 1225, G replaced by A.
Protein change: p.Val409Ile; replaces valine 409 with isoleucine.
Molecular consequence: missense variant.
Genome position (GRCh38, 1-based): chr11:64,220,240, G>A. VCF-style: chr11-64220240-G-A. GRCh37 (hg19) VCF-style: chr11-63987712-G-A.
Other names: c.1225G>A, p.Val409Ile (NM_001382361.1, NM_001382448.1); c.1237G>A, p.Val413Ile (NM_001382362.1, NM_178443.3); c.685G>A, p.Val229Ile (NM_001382363.1); c.697G>A, p.Val233Ile (NM_001382364.1); short protein forms V229I, V409I, V233I, V413I.
Identifiers: ClinVar variation 2491380 (VCV002491380.3), dbSNP rs1423832924, ClinGen allele CA381086982.

ClinVar aggregate classification (germline): Uncertain significance. Review status: criteria provided, multiple submitters, no conflicts (2 of 4 stars). 2 submissions from 2 submitters: Uncertain significance (2). Last evaluated 2025-08-19.

Conditions:
Leukocyte adhesion deficiency 3. Also called: INTEGRIN ACTIVATION DEFICIENCY DISEASE; LEUKOCYTE ADHESION DEFICIENCY 1 VARIANT; Leukocyte adhesion deficiency, type III. Identifiers: Orphanet 2968, Orphanet 99844, MedGen C2748536, MONDO:0013016, OMIM 612840.
Inborn genetic diseases. Identifiers: MedGen C0950123, MeSH D030342.

Allele frequency attached by ClinVar (database versions not stated): TOPMed 0.00001; gnomAD exomes below 0.00001; gnomAD 0.00002.

Submissions (2):

Labcorp Genetics (formerly Invitae), Labcorp
Classification: Uncertain significance for Leukocyte adhesion deficiency 3. Last evaluated: 2025-08-19. Review status: criteria provided, single submitter. Criteria: Invitae Variant Classification Sherloc (09022015). Collection method: clinical testing. Allele origin: germline.
Comment: This sequence change replaces valine, which is neutral and non-polar, with isoleucine, which is neutral and non-polar, at codon 409 of the FERMT3 protein (p.Val409Ile). This variant is not present in population databases (gnomAD no frequency). This variant has not been reported in the literature in individuals affected with FERMT3-related conditions. ClinVar contains an entry for this variant (Variation ID: 2491380). Invitae Evidence Modeling of protein sequence and biophysical properties (such as structural, functional, and spatial information, amino acid conservation, physicochemical variation, residue mobility, and thermodynamic stability) has been performed for this missense variant. However, the output from this modeling did not meet the statistical confidence thresholds required to predict the impact of this variant on FERMT3 protein function. In summary, the available evidence is currently insufficient to determine the role of this variant in disease. Therefore, it has been classified as a Variant of Uncertain Significance.

Ambry Genetics
Classification: Uncertain significance for Inborn genetic diseases. Last evaluated: 2023-02-28. Review status: criteria provided, single submitter. Criteria: Ambry Variant Classification Scheme 2023. Collection method: clinical testing. Allele origin: germline.